The following is an entry in ClinVar:

ClinVar aggregate classification (germline): Likely pathogenic (0 of 4 stars; one submission).

Conditions:
Autosomal recessive nonsyndromic hearing loss 9. Also called: NEUROSENSORY NONSYNDROMIC RECESSIVE DEAFNESS 9; OTOF-Related Hearing Loss; Deafness, autosomal recessive 9; AUDITORY NEUROPATHY, AUTOSOMAL RECESSIVE, 1, TEMPERATURE-SENSITIVE. Identifiers: Orphanet 90636, MedGen C1832828, MONDO:0010986, OMIM 601071.

Submission:

Diagnosis and Treatment Center of Genetic Hearing Loss, Eye & ENT Hospital of Fudan University
Classification: Likely pathogenic for Autosomal recessive nonsyndromic hearing loss 9. Last evaluated: 2026-02-04. Review status: no assertion criteria provided. Collection method: clinical testing. Allele origin: germline. Inheritance: Autosomal recessive inheritance. Affected: yes.
Comment: The c.2285delG frameshift variant in OTOF leads to a premature stop codon (p.Gly762Alafs*6) and predicted NMD (PVS1). It is absent from population databases (PM2_Supporting).

NM_194248.3(OTOF):c.2285del (p.Gly762fs)

Genes: OTOF (otoferlin; minus strand), LOC129933334 (ATAC-STARR-seq lymphoblastoid active region 15473; plus strand). Cytogenetic location: 2p23.3.
Variant type: Deletion.
Coding change: c.2285del on transcript NM_194248.3 (MANE Select); coding-DNA position 2285, one base deleted (G; older notation c.2285delG).
Protein change: p.Gly762fs; shifts the reading frame from glycine 762.
Molecular consequence: frameshift variant.
Genome position (GRCh38, 1-based): chr2:26,477,679, C deleted on the plus strand (G on the coding strand, the reverse complement: OTOF is on the minus strand); the first of 4 consecutive C bases (chr2:26,477,679-26,477,682); deleting any one gives the same sequence. VCF-style (leftmost placement, unchanged base first): chr2-26477678-GC-G. GRCh37 (hg19) VCF-style: chr2-26700546-GC-G.
Other names: c.2285del, p.Gly762fs (NM_001287489.2); c.44del, p.Gly15fs (NM_004802.4, NM_194323.3); c.215del, p.Gly72fs (NM_194322.3); short protein forms G15fs, G72fs, G762fs.
Identifiers: ClinVar variation 4879903 (VCV004879903.1).